The following is an entry in ClinVar:

NM_000135.4(FANCA):c.2121del (p.Asn707fs)

Gene: FANCA (FA complementation group A; minus strand). Cytogenetic location: 16q24.3.
Variant type: Deletion.
Coding change: c.2121del on transcript NM_000135.4 (MANE Select); coding-DNA position 2121, one base deleted (C; older notation c.2121delC).
Protein change: p.Asn707fs; shifts the reading frame from asparagine 707.
Molecular consequence: frameshift variant.
Genome position (GRCh38, 1-based): chr16:89,771,708, G deleted on the plus strand (C on the coding strand, the reverse complement: FANCA is on the minus strand). VCF-style (leftmost placement, unchanged base first): chr16-89771707-TG-T. GRCh37 (hg19) VCF-style: chr16-89838115-TG-T.
Other names: c.2121del, p.Asn707fs (NM_001286167.3); short protein forms N707fs.
Identifiers: ClinVar variation 974238 (VCV000974238.1), dbSNP rs2039331837, ClinGen allele CA1139665017.

ClinVar aggregate classification (germline): Pathogenic (0 of 4 stars; one submission).

Conditions:
Fanconi anemia complementation group A (FANCA). Also called: Fanconi anemia, group A; FANCA-Related Fanconi Anemia. Identifiers: Orphanet 84, MedGen C3469521, MONDO:0009215, OMIM 227650.

Submission:

Leiden Open Variation Database
Classification: Pathogenic for Fanconi anemia complementation group A. Last evaluated: 2020-02-28. Review status: no assertion criteria provided. Collection method: curation. Allele origin: germline. Affected: yes.
Comment: Curator: Arleen D. Auerbach. Submitter to LOVD: Johan de Winter.

Literature cited by the submitters: PubMed 22778927.